The following is an entry in ClinVar:

ClinVar aggregate classification (germline): Benign. Review status: criteria provided, multiple submitters, no conflicts (2 of 4 stars). 2 submissions from 2 submitters: Benign (2). Last evaluated 2018-01-13.

Conditions:
Osteopetrosis. Identifiers: Orphanet 2781, MedGen C0029454, MONDO:0017198, HP:0011002.

Allele frequency attached by ClinVar (database versions not stated): 1000 Genomes Project 30x 0.00250; gnomAD 0.00445 and 0.00462; gnomAD exomes 0.00458; TOPMed 0.00471; ExAC 0.00911; 1000 Genomes Project 0.00180.
gnomAD v4.1: 9,644 of 1,429,230 alleles (0.67%); highest among the groups gnomAD compares: Non-Finnish European, 0.82%; 42 homozygotes.

Submissions (2):

Illumina Laboratory Services, Illumina
Classification: Benign for Osteopetrosis. Last evaluated: 2018-01-13. Review status: criteria provided, single submitter. Criteria: ICSL Variant Classification Criteria 13 December 2019. Collection method: clinical testing. Allele origin: germline.
Comment: This variant was observed in the ICSL laboratory as part of a predisposition screen in an ostensibly healthy population. It had not been previously curated by ICSL or reported in the Human Gene Mutation Database (HGMD: prior to June 1st, 2018), and was therefore a candidate for classification through an automated scoring system. Utilizing variant allele frequency, disease prevalence and penetrance estimates, and inheritance mode, an automated score was calculated to assess if this variant is too frequent to cause the disease. Based on the score and internal cut-off values, a variant classified as benign is not then subjected to further curation. The score for this variant resulted in a classification of benign for this disease.

Breakthrough Genomics
Classification: Benign. Review status: criteria provided, single submitter. Criteria: ACMG Guidelines, 2015. Collection method: not provided. Allele origin: germline. Inheritance: Autosomal recessive inheritance. Affected: yes.

NM_001287.6(CLCN7):c.-32G>A

Gene: CLCN7 (chloride voltage-gated channel 7; minus strand). Cytogenetic location: 16p13.3.
Variant type: single nucleotide variant.
Coding change: c.-32G>A on transcript NM_001287.6 (MANE Select); 32 bases upstream of the start codon, G replaced by A.
Molecular consequence: 5 prime UTR variant.
Genome position (GRCh38, 1-based): chr16:1,475,006, C>T on the plus strand (G>A on the coding strand, the complement: CLCN7 is on the minus strand). VCF-style: chr16-1475006-C-T. GRCh37 (hg19) VCF-style: chr16-1525007-C-T.
Other names: c.-32G>A (NM_001114331.3).
Identifiers: ClinVar variation 317972 (VCV000317972.6), dbSNP rs141324197, ClinGen allele CA7810965.